The following is an entry in ClinVar:

ClinVar aggregate classification (germline): Pathogenic/Likely pathogenic. Review status: criteria provided, multiple submitters, no conflicts (2 of 4 stars). 4 submissions from 4 submitters: Pathogenic (1); Likely pathogenic (2). 1 of the submissions does not count toward it. Last evaluated 2025-11-09.

Conditions:
ALG6-congenital disorder of glycosylation 1C (CDG1C). Also called: CARBOHYDRATE-DEFICIENT GLYCOPROTEIN SYNDROME, TYPE I, WITH DEFICIENT GLYCOSYLATION OF DOLICHOL-LINKED OLIGOSACCHARIDE; CARBOHYDRATE-DEFICIENT GLYCOPROTEIN SYNDROME, TYPE V; Congenital disorder of glycosylation type 1C; Congenital disorder of glycosylation, type Ic; CDG Ic. Identifiers: Orphanet 79320, MedGen C2930997, MONDO:0011291, OMIM 603147.

Allele frequency attached by ClinVar (database versions not stated): TOPMed 0.00001; ExAC 0.00002; gnomAD exomes 0.00003.
gnomAD v4.1: 9 of 1,609,416 alleles (0.00056%); highest among the groups gnomAD compares: Admixed American, 0.0033%; no homozygotes.

Submissions (4):

Natera, Inc.
Classification: Likely pathogenic for Congenital disorder of glycosylation type 1c. Last evaluated: 2025-11-09. Review status: criteria provided, single submitter. Criteria: Natera Variant Classification Schema (03/2026). Collection method: clinical testing. Allele origin: germline.
Comment: The c.52C>T variant in ALG6 is a nonsense variant predicted to introduce a stop codon at amino acid 18. This variant is expected to result in nonsense mediated decay, truncation, or a dysfunctional protein product. This variant is rare in the general population with a frequency below the threshold expected for the associated phenotype(s). Given the available evidence, this variant is classified as Likely Pathogenic.

Baylor Genetics
Classification: Likely pathogenic for ALG6-congenital disorder of glycosylation 1C. Last evaluated: 2024-02-19. Review status: criteria provided, single submitter. Criteria: ACMG Guidelines, 2015. Collection method: clinical testing. Allele origin: unknown.

Labcorp Genetics (formerly Invitae), Labcorp
Classification: Pathogenic for ALG6-congenital disorder of glycosylation 1C. Last evaluated: 2023-04-17. Review status: criteria provided, single submitter. Criteria: Invitae Variant Classification Sherloc (09022015). Collection method: clinical testing. Allele origin: germline.
Comment: For these reasons, this variant has been classified as Pathogenic. ClinVar contains an entry for this variant (Variation ID: 555747). This variant has not been reported in the literature in individuals affected with ALG6-related conditions. This variant is present in population databases (rs755933716, gnomAD 0.01%). This sequence change creates a premature translational stop signal (p.Arg18*) in the ALG6 gene. It is expected to result in an absent or disrupted protein product. Loss-of-function variants in ALG6 are known to be pathogenic (PMID: 19862844).

Counsyl
Classification: Likely pathogenic for ALG6-congenital disorder of glycosylation 1C. Last evaluated: 2017-12-20. Review status: no assertion criteria provided. Collection method: clinical testing. Allele origin: unknown. Not counted in ClinVar's aggregate classification.

Literature cited by the submitters: PubMed 19862844 (cited by Labcorp Genetics (formerly Invitae), Labcorp).

NM_013339.4(ALG6):c.52C>T (p.Arg18Ter)

Gene: ALG6 (ALG6 alpha-1,3-glucosyltransferase; plus strand). Cytogenetic location: 1p31.3.
Variant type: single nucleotide variant.
Coding change: c.52C>T on transcript NM_013339.4 (MANE Select); coding-DNA position 52, C replaced by T.
Protein change: p.Arg18Ter; replaces arginine 18 with a stop codon.
Molecular consequence: nonsense.
Genome position (GRCh38, 1-based): chr1:63,371,029, C>T. VCF-style: chr1-63371029-C-T. GRCh37 (hg19) VCF-style: chr1-63836700-C-T.
Other names: c.52C>T, p.Arg18Ter (LRG_1260t1); short protein forms R18*.
Identifiers: ClinVar variation 555747 (VCV000555747.15), dbSNP rs755933716, ClinGen allele CA888020.